The following is an entry in ClinVar:

ClinVar aggregate classification (germline): Uncertain significance (1 of 4 stars; one submission).

Allele frequency attached by ClinVar (database versions not stated): gnomAD exomes below 0.00001; ExAC 0.00001; TOPMed 0.00001; gnomAD 0.00002; ESP Exome Variant Server 0.00008.
gnomAD v4.1: 12 of 1,610,168 alleles (0.00075%); highest among the groups gnomAD compares: East Asian, 0.0067%; no homozygotes.

Submission:

Labcorp Genetics (formerly Invitae), Labcorp
Classification: Uncertain significance. Last evaluated: 2025-04-28. Review status: criteria provided, single submitter. Criteria: Invitae Variant Classification Sherloc (09022015). Collection method: clinical testing. Allele origin: germline.
Comment: This sequence change falls in intron 8 of the ARHGEF18 gene. It does not directly change the encoded amino acid sequence of the ARHGEF18 protein. This variant is not present in population databases (gnomAD no frequency). This variant has not been reported in the literature in individuals affected with ARHGEF18-related conditions. ClinVar contains an entry for this variant (Variation ID: 1419323). Algorithms developed to predict the effect of sequence changes on RNA splicing suggest that this variant may create or strengthen a splice site. In summary, the available evidence is currently insufficient to determine the role of this variant in disease. Therefore, it has been classified as a Variant of Uncertain Significance.

NM_001367823.1(ARHGEF18):c.2182-19A>G

Gene: ARHGEF18 (Rho/Rac guanine nucleotide exchange factor 18; plus strand). Cytogenetic location: 19p13.2.
Variant type: single nucleotide variant.
Coding change: c.2182-19A>G on transcript NM_001367823.1 (MANE Select); 19 bases into the intron before coding-DNA position 2182, A replaced by G.
Molecular consequence: intron variant.
Genome position (GRCh38, 1-based): chr19:7,458,493, A>G. VCF-style: chr19-7458493-A-G. GRCh37 (hg19) VCF-style: chr19-7523379-A-G.
Other names: c.1144-19A>G (NM_001367824.1, NM_015318.4); c.1456-19A>G (NM_001130955.2).
Identifiers: ClinVar variation 1419323 (VCV001419323.6), dbSNP rs374271088, ClinGen allele CA9136755.